The following is an entry in ClinVar:

ClinVar aggregate classification (germline): Uncertain significance (1 of 4 stars; one submission).

gnomAD v4.1: 2 of 1,614,076 alleles (0.00012%); highest among the groups gnomAD compares: Admixed American, 0.0017%; no homozygotes.

Submission:

Dasa
Classification: Uncertain significance. Last evaluated: 2025-10-06. Review status: criteria provided, single submitter. Criteria: DASA Assertion Criteria. Collection method: clinical testing. Allele origin: germline.
Comment: NM_014967.5(FAN1):c.1003A>G (p.Asn335Asp) is a missense variant that results in the substitution of asparagine with aspartic acid. This variant is rare in population databases. Computational prediction algorithms are consistent with a benign effect. The currently available literature and clinical evidence are not sufficient to establish a definitive association between this variant and the reported condition. Therefore, this variant is classified as a variant of uncertain significance.

NM_014967.5(FAN1):c.1003A>G (p.Asn335Asp)

Gene: FAN1 (FANCD2 and FANCI associated nuclease 1; plus strand). Cytogenetic location: 15q13.3.
Variant type: single nucleotide variant.
Coding change: c.1003A>G on transcript NM_014967.5 (MANE Select); coding-DNA position 1003, A replaced by G.
Protein change: p.Asn335Asp; replaces asparagine 335 with aspartic acid.
Molecular consequence: missense variant.
Genome position (GRCh38, 1-based): chr15:30,905,666, A>G. VCF-style: chr15-30905666-A-G. GRCh37 (hg19) VCF-style: chr15-31197869-A-G.
Other names: c.1003A>G, p.Asn335Asp (NM_001146094.2, NM_001146095.1, NM_001146096.2); short protein forms N335D.
Identifiers: ClinVar variation 4883117 (VCV004883117.2).